The following is an entry in ClinVar:

NM_001854.4(COL11A1):c.4656A>G (p.Lys1552=)

Gene: COL11A1 (collagen type XI alpha 1 chain; minus strand). Cytogenetic location: 1p21.1.
Variant type: single nucleotide variant.
Coding change: c.4656A>G on transcript NM_001854.4 (MANE Select); coding-DNA position 4656, A replaced by G.
Protein change: p.Lys1552=; no amino-acid change (lysine 1552 retained).
Molecular consequence: synonymous variant. On other transcripts: non-coding transcript variant (1).
Genome position (GRCh38, 1-based): chr1:102,887,009, T>C on the plus strand (A>G on the coding strand, the complement: COL11A1 is on the minus strand). VCF-style: chr1-102887009-T-C. GRCh37 (hg19) VCF-style: chr1-103352565-T-C.
Other names: c.4539A>G, p.Lys1513= (NM_001190709.2); c.4692A>G, p.Lys1564= (NM_080629.3); c.4308A>G, p.Lys1436= (NM_080630.4).
Identifiers: ClinVar variation 1212075 (VCV001212075.17), dbSNP rs769593192, ClinGen allele CA973443.

ClinVar aggregate classification (germline): Likely benign. Review status: criteria provided, multiple submitters, no conflicts (2 of 4 stars). 4 submissions from 4 submitters: Likely benign (3). 1 of the submissions does not count toward it. Last evaluated 2026-01-23.

Conditions:
COL11A1-related disorder. Also called: COL11A1-related disorders; COL11A1-related condition.

Allele frequency attached by ClinVar (database versions not stated): ExAC 0.00002; gnomAD exomes 0.00003; gnomAD 0.00004; TOPMed 0.00005.
gnomAD v4.1: 45 of 1,613,794 alleles (0.0028%); highest among the groups gnomAD compares: Admixed American, 0.0033%; no homozygotes.

Submissions (4):

Labcorp Genetics (formerly Invitae), Labcorp
Classification: Likely benign. Last evaluated: 2026-01-23. Review status: criteria provided, single submitter. Criteria: Invitae Variant Classification Sherloc (09022015). Collection method: clinical testing. Allele origin: germline.

CeGaT Center for Human Genetics Tuebingen
Classification: Likely benign. Last evaluated: 2025-07-01. Review status: criteria provided, single submitter. Criteria: CeGaT Center For Human Genetics Tuebingen Variant Classification Criteria Version 2. Collection method: clinical testing. Allele origin: germline. Affected: yes. Observed: 1 variant allele.
Comment: COL11A1: BP4, BP7

GeneDx
Classification: Likely benign. Last evaluated: 2021-08-03. Review status: criteria provided, single submitter. Criteria: GeneDx Variant Classification Process June 2021. Collection method: clinical testing. Allele origin: germline. Affected: yes.

PreventionGenetics, part of Exact Sciences
Classification: Likely benign for COL11A1-related condition. Last evaluated: 2024-06-20. Review status: no assertion criteria provided. Collection method: clinical testing. Allele origin: germline. Not counted in ClinVar's aggregate classification.
Comment: This variant is classified as likely benign based on ACMG/AMP sequence variant interpretation guidelines (Richards et al. 2015 PMID: 25741868, with internal and published modifications).